The following is an entry in ClinVar:

ClinVar aggregate classification (germline): Uncertain significance (1 of 4 stars; one submission).

Conditions:
Capillary malformation-arteriovenous malformation syndrome. Also called: Capillary malformation-arteriovenous malformation. Identifiers: Orphanet 137667, MedGen C1842180, MONDO:0012016.

Allele frequency attached by ClinVar (database versions not stated): gnomAD exomes below 0.00001; ExAC 0.00001.
gnomAD v4.1: 2 of 1,611,358 alleles (0.00012%); highest among the groups gnomAD compares: South Asian, 0.0011%; no homozygotes.

Submission:

Labcorp Genetics (formerly Invitae), Labcorp
Classification: Uncertain significance for Capillary malformation-arteriovenous malformation syndrome. Last evaluated: 2022-07-19. Review status: criteria provided, single submitter. Criteria: Invitae Variant Classification Sherloc (09022015). Collection method: clinical testing. Allele origin: germline.
Comment: In summary, the available evidence is currently insufficient to determine the role of this variant in disease. Therefore, it has been classified as a Variant of Uncertain Significance. Algorithms developed to predict the effect of missense changes on protein structure and function are either unavailable or do not agree on the potential impact of this missense change (SIFT: "Deleterious"; PolyPhen-2: "Probably Damaging"; Align-GVGD: "Class C0"). ClinVar contains an entry for this variant (Variation ID: 640399). This variant has not been reported in the literature in individuals affected with RASA1-related conditions. This variant is present in population databases (rs754945616, gnomAD 0.003%). This sequence change replaces glycine, which is neutral and non-polar, with valine, which is neutral and non-polar, at codon 63 of the RASA1 protein (p.Gly63Val).

NM_002890.3(RASA1):c.188G>T (p.Gly63Val)

Gene: RASA1 (RAS p21 protein activator 1; plus strand). Cytogenetic location: 5q14.3.
Variant type: single nucleotide variant.
Coding change: c.188G>T on transcript NM_002890.3 (MANE Select); coding-DNA position 188, G replaced by T.
Protein change: p.Gly63Val; replaces glycine 63 with valine.
Molecular consequence: missense variant.
Genome position (GRCh38, 1-based): chr5:87,268,639, G>T. VCF-style: chr5-87268639-G-T. GRCh37 (hg19) VCF-style: chr5-86564456-G-T.
Other names: short protein forms G63V.
Identifiers: ClinVar variation 640399 (VCV000640399.9), dbSNP rs754945616, ClinGen allele CA3335346.